The following is an entry in ClinVar:

ClinVar aggregate classification (germline): Uncertain significance (1 of 4 stars; one submission).

gnomAD v4.1: 5 of 1,614,160 alleles (0.00031%); highest among the groups gnomAD compares: Admixed American, 0.005%; no homozygotes.

Submission:

Ambry Genetics
Classification: Uncertain significance. Last evaluated: 2024-04-10. Review status: criteria provided, single submitter. Criteria: Ambry Variant Classification Scheme 2023. Collection method: clinical testing. Allele origin: germline.
Comment: The p.R3S variant (also known as c.9G>C), located in coding exon 2 of the RAD54L gene, results from a G to C substitution at nucleotide position 9. The arginine at codon 3 is replaced by serine, an amino acid with dissimilar properties. This amino acid position is conserved. In addition, the in silico prediction for this alteration is inconclusive. Since supporting evidence is limited at this time, the clinical significance of this alteration remains unclear.

NM_003579.4(RAD54L):c.9G>C (p.Arg3Ser)

Gene: RAD54L (RAD54 like; plus strand). Cytogenetic location: 1p34.1.
Variant type: single nucleotide variant.
Coding change: c.9G>C on transcript NM_003579.4 (MANE Select); coding-DNA position 9, G replaced by C.
Protein change: p.Arg3Ser; replaces arginine 3 with serine.
Molecular consequence: missense variant. On other transcripts: 5 prime UTR variant (1).
Genome position (GRCh38, 1-based): chr1:46,248,517, G>C. VCF-style: chr1-46248517-G-C. GRCh37 (hg19) VCF-style: chr1-46714189-G-C.
Other names: c.9G>C, p.Arg3Ser (NM_001142548.2); c.-532G>C (NM_001370766.1); short protein forms R3S.
Identifiers: ClinVar variation 1768937 (VCV001768937.3), dbSNP rs772321829, ClinGen allele CA834111.